The following is an entry in ClinVar:

NM_001754.5(RUNX1):c.108G>A (p.Thr36=)

Gene: RUNX1 (RUNX family transcription factor 1; minus strand). Cytogenetic location: 21q22.12.
Variant type: single nucleotide variant.
Coding change: c.108G>A on transcript NM_001754.5 (MANE Select); coding-DNA position 108, G replaced by A.
Protein change: p.Thr36=; no amino-acid change (threonine 36 retained).
Molecular consequence: synonymous variant.
Genome position (GRCh38, 1-based): chr21:34,887,086, C>T on the plus strand (G>A on the coding strand, the complement: RUNX1 is on the minus strand). VCF-style: chr21-34887086-C-T. GRCh37 (hg19) VCF-style: chr21-36259383-C-T.
Other names: NM_001754.5(RUNX1):c.108G>A; p.Thr36=; c.27G>A, p.Thr9= (NM_001001890.3, NM_001122607.2); c.108G>A (NM_001754.4).
Identifiers: ClinVar variation 1153275 (VCV001153275.11), dbSNP rs2146414447, ClinGen allele CA512318998.

ClinVar aggregate classification (germline): Likely benign. Review status: reviewed by expert panel (3 of 4 stars). 3 submissions from 3 submitters: Likely benign (1). 2 of the submissions do not count toward it. Last evaluated 2022-04-08.

Conditions:
Hereditary thrombocytopenia and hematologic cancer predisposition syndrome. Identifiers: Orphanet 71290, MedGen CN281654, MONDO:0011071.
Hereditary thrombocytopenia and hematological cancer predisposition syndrome associated with RUNX1. Also called: Familial Platelet Disorder with Propensity to Acute Myelogenous Leukemia; Familial thrombocytopenia with propensity to acute myelogenous leukemia; PLATELET DISORDER, ASPIRIN-LIKE; RUNX1 Familial Platelet Disorder with Associated Myeloid Malignancies. Identifiers: Orphanet 71290, MedGen C1832388, MeSH C563324, MONDO:0100083, OMIM 601399.
Inborn genetic diseases. Identifiers: MedGen C0950123, MeSH D030342.

gnomAD v4.1: 1 of 1,598,276 alleles (0.000063%); highest among the groups gnomAD compares: Non-Finnish European, 0.000085%; no homozygotes.

Submissions (3):

ClinGen Myeloid Malignancy Variant Curation Expert Panel
Classification: Likely benign for Hereditary thrombocytopenia and hematologic cancer predisposition syndrome. Last evaluated: 2022-04-08. Review status: reviewed by expert panel. Criteria: ClinGen MyeloMalig ACMG Specifications v2. Collection method: curation. Allele origin: germline. Inheritance: Autosomal dominant inheritance.
Comment: NM_001754.5(RUNX1):c.108G>A (p.Thr36=) is a synonymous variant therefore REVEL score is not applicable and SpliceAI is ≤0.20 (acceptor loss 0.01) (BP4). Evolutionary conservation prediction algorithms predict the site as not being conserved (PhyloP score 1.43361 < 2.0 or the variant is the reference nucleotide in one primate and/or three mammal species) (BP7). This variant is completely absent from all population databases with at least 20x coverage for RUNX1 (PM2_supporting). In summary, this variant meets criteria to be classified as likely benign. ACMG/AMP criteria applied, as specified by the Myeloid Malignancy Variant Curation Expert Panel for RUNX1: BP4, BP7, and PM2_supporting

Ambry Genetics
Classification: Likely benign for Inborn genetic diseases. Last evaluated: 2024-11-24. Review status: criteria provided, single submitter. Criteria: Ambry Variant Classification Scheme 2023. Collection method: clinical testing. Allele origin: germline. Not counted in ClinVar's aggregate classification.

Labcorp Genetics (formerly Invitae), Labcorp
Classification: Likely benign for Hereditary thrombocytopenia and hematological cancer predisposition syndrome associated with RUNX1. Last evaluated: 2020-08-29. Review status: criteria provided, single submitter. Criteria: Invitae Variant Classification Sherloc (09022015). Collection method: clinical testing. Allele origin: germline. Not counted in ClinVar's aggregate classification.